The following is an entry in ClinVar:

NM_201384.3(PLEC):c.12980G>T (p.Gly4327Val)

Gene: PLEC (plectin; minus strand). Cytogenetic location: 8q24.3.
Variant type: single nucleotide variant.
Coding change: c.12980G>T on transcript NM_201384.3 (MANE Select); coding-DNA position 12980, G replaced by T.
Protein change: p.Gly4327Val; replaces glycine 4327 with valine.
Molecular consequence: missense variant.
Genome position (GRCh38, 1-based): chr8:143,916,841, C>A on the plus strand (G>T on the coding strand, the complement: PLEC is on the minus strand). VCF-style: chr8-143916841-C-A. GRCh37 (hg19) VCF-style: chr8-144991009-C-A.
Other names: p.Gly4354Val; c.13061G>T, p.Gly4354Val (NM_000445.5); c.9680G>T, p.Gly3227Val (NM_001410941.1); c.12938G>T, p.Gly4313Val (NM_201378.4); c.12914G>T, p.Gly4305Val (NM_201379.3); c.13391G>T, p.Gly4464Val (NM_201380.4); c.12884G>T, p.Gly4295Val (NM_201381.3); c.12980G>T, p.Gly4327Val (NM_201382.4); and 1 more; short protein forms G4295V, G4305V, G4331V, G4464V, G3227V, G4313V, G4327V, G4354V.
Identifiers: ClinVar variation 4541401 (VCV004541401.1).
Genomic context (GRCh38, chr8:143,916,841, plus strand): 5'-TCCACCATGATCTTGTCCACCAGGCCCTTGTTGACGGCGTCGGTGACAGGGAAGCGCTCA[C>A]CGGTGCTGGGGTCGATGATGCCCCCGGTGCAGGCCTGCGCCTCCAGCAGCCGCTGCCCCG-3'
Protein context (NP_958786.1, residues 4317-4337): CTGGIIDPST[Gly4327Val]ERFPVTDAVN

ClinVar aggregate classification (germline): Uncertain significance (1 of 4 stars; one submission).

Submission:

Mayo Clinic Laboratories, Mayo Clinic
Classification: Uncertain significance. Last evaluated: 2025-06-05. Review status: criteria provided, single submitter. Criteria: ACMG Guidelines, 2015. Collection method: clinical testing. Allele origin: germline. Observed: 1 variant allele.
Comment: PP3, PM2_supporting